The following is an entry in ClinVar:

NM_000275.3(OCA2):c.1763G>A (p.Arg588Gln)

Gene: OCA2 (OCA2 melanosomal transmembrane protein; minus strand). Cytogenetic location: 15q13.1.
Variant type: single nucleotide variant.
Coding change: c.1763G>A on transcript NM_000275.3 (MANE Select); coding-DNA position 1763, G replaced by A.
Protein change: p.Arg588Gln; replaces arginine 588 with glutamine.
Molecular consequence: missense variant.
Genome position (GRCh38, 1-based): chr15:27,957,609, C>T on the plus strand (G>A on the coding strand, the complement: OCA2 is on the minus strand). VCF-style: chr15-27957609-C-T. GRCh37 (hg19) VCF-style: chr15-28202755-C-T.
Other names: c.1691G>A, p.Arg564Gln (NM_001300984.2); short protein forms R564Q, R588Q.
Identifiers: ClinVar variation 2166497 (VCV002166497.1), dbSNP rs746969709, ClinGen allele CA7438928.
Genomic context (GRCh38, chr15:27,957,609, plus strand): 5'-GCACACCAAGCACAGTCTGAGCAGGACCCCGCCCGGTACCTGTGGAAGGTGTGCAGCCTC[C>T]GGGCGAGCAGGTGCTCCAGTGCCAGCACCTTCCCCAGCAGCAGGCGGCGCACAGCTGTCT-3'
Protein context (NP_000266.2, residues 578-598): KVLALEHLLA[Arg588Gln]RLHTFHRQIS

ClinVar aggregate classification (germline): Uncertain significance (1 of 4 stars; one submission).

Allele frequency attached by ClinVar (database versions not stated): TOPMed 0.00001; ExAC 0.00003.
gnomAD v4.1: 37 of 1,612,732 alleles (0.0023%); highest among the groups gnomAD compares: Admixed American, 0.0033%; no homozygotes.

Submission:

Labcorp Genetics (formerly Invitae), Labcorp
Classification: Uncertain significance. Last evaluated: 2022-08-16. Review status: criteria provided, single submitter. Criteria: Invitae Variant Classification Sherloc (09022015). Collection method: clinical testing. Allele origin: germline.
Comment: This sequence change replaces arginine, which is basic and polar, with glutamine, which is neutral and polar, at codon 588 of the OCA2 protein (p.Arg588Gln). This variant is present in population databases (rs746969709, gnomAD 0.004%). This variant has not been reported in the literature in individuals affected with OCA2-related conditions. Advanced modeling of protein sequence and biophysical properties (such as structural, functional, and spatial information, amino acid conservation, physicochemical variation, residue mobility, and thermodynamic stability) performed at Invitae indicates that this missense variant is not expected to disrupt OCA2 protein function. Algorithms developed to predict the effect of sequence changes on RNA splicing suggest that this variant may create or strengthen a splice site. In summary, the available evidence is currently insufficient to determine the role of this variant in disease. Therefore, it has been classified as a Variant of Uncertain Significance.